The following is an entry in ClinVar:

ClinVar aggregate classification (germline): Pathogenic (1 of 4 stars; one submission).

Conditions:
Primary hyperoxaluria, type I (HP1). Also called: OXALOSIS I; Primary hyperoxaluria type 1; GLYCOLIC ACIDURIA; HEPATIC AGT DEFICIENCY. Identifiers: Orphanet 416, Orphanet 93598, MedGen C0268164, MONDO:0009823, OMIM 259900. Disease mechanism: loss of function.

Submission:

Rare Kidney Stone Consortium and the Mayo Clinic Hyperoxaluria Center, Mayo Clinic
Classification: Pathogenic for Primary hyperoxaluria, type I. Last evaluated: 2023-10-27. Review status: criteria provided, single submitter. Criteria: ACMG Guidelines, 2015. Collection method: clinical testing. Allele origin: germline. Affected: yes.
Comment: ACMG:PVS1 PM2 PM3 PP4

NM_000030.3(AGXT):c.224del (p.Thr75fs)

Gene: AGXT (alanine--glyoxylate aminotransferase; plus strand). Cytogenetic location: 2q37.3.
Variant type: Deletion.
Coding change: c.224del on transcript NM_000030.3 (MANE Select); coding-DNA position 224, one base deleted (C; older notation c.224delC).
Protein change: p.Thr75fs; shifts the reading frame from threonine 75.
Molecular consequence: frameshift variant.
Genome position (GRCh38, 1-based): chr2:240,869,228, C deleted. VCF-style (leftmost placement, unchanged base first): chr2-240869227-AC-A. GRCh37 (hg19) VCF-style: chr2-241808644-AC-A.
Other names: short protein forms T75fs.
Identifiers: ClinVar variation 2664110 (VCV002664110.1), dbSNP rs2528740066, ClinGen allele CA2577302209.